The following is an entry in ClinVar:

ClinVar aggregate classification (germline): Uncertain significance (1 of 4 stars; one submission).

Conditions:
Developmental delay with autism spectrum disorder and gait instability (MRT38). Also called: Intellectual developmental disorder, autosomal recessive 38. Identifiers: Orphanet 329195, MedGen C3809753, MONDO:0014224, OMIM 615516.
SKIN/HAIR/EYE PIGMENTATION 1, BLUE/NONBLUE EYES (SHEP1). Also called: BROWN EYE COLOR 2; SKIN/HAIR/EYE PIGMENTATION 1, BLOND/BROWN HAIR; SKIN/HAIR/EYE PIGMENTATION 1, BLUE/BROWN EYES; EYE COLOR 3; EYE COLOR, BLUE/NONBLUE; EYE COLOR, BROWN/BLUE. Identifiers: MedGen C1856895, OMIM 227220.

gnomAD v4.1: 2 of 1,614,002 alleles (0.00012%); highest among the groups gnomAD compares: Non-Finnish European, 0.00017%; no homozygotes.

Submission:

Juno Genomics, Hangzhou Juno Genomics, Inc
Classification: Uncertain significance for SKIN/HAIR/EYE PIGMENTATION 1, BLUE/NONBLUE EYES; Developmental delay with autism spectrum disorder and gait instability. Review status: criteria provided, single submitter. Criteria: ACMG Guidelines, 2015. Collection method: clinical testing. Allele origin: germline.
Comment: Absent from controls (or at extremely low frequency if recessive) in Genome Aggregation Database.;Missense variant in a gene that has a low rate of benign missense variation.

NM_004667.6(HERC2):c.13670C>T (p.Pro4557Leu)

Gene: HERC2 (HECT and RLD domain containing E3 ubiquitin protein ligase 2; minus strand). Cytogenetic location: 15q13.1.
Variant type: single nucleotide variant.
Coding change: c.13670C>T on transcript NM_004667.6 (MANE Select); coding-DNA position 13670, C replaced by T.
Protein change: p.Pro4557Leu; replaces proline 4557 with leucine.
Molecular consequence: missense variant.
Genome position (GRCh38, 1-based): chr15:28,115,481, G>A on the plus strand (C>T on the coding strand, the complement: HERC2 is on the minus strand). VCF-style: chr15-28115481-G-A. GRCh37 (hg19) VCF-style: chr15-28360627-G-A.
Other names: short protein forms P4557L.
Identifiers: ClinVar variation 5005378 (VCV005005378.2).